The following is an entry in ClinVar:

ClinVar aggregate classification (germline): Uncertain significance. Review status: criteria provided, multiple submitters, no conflicts (2 of 4 stars). 2 submissions from 2 submitters: Uncertain significance (2). Last evaluated 2025-11-24.

Conditions:
Inborn genetic diseases. Identifiers: MedGen C0950123, MeSH D030342.

Allele frequency attached by ClinVar (database versions not stated): gnomAD exomes below 0.00001; ExAC 0.00001; 1000 Genomes Project 30x 0.00016; 1000 Genomes Project 0.00020.
gnomAD v4.1: 2 of 1,614,216 alleles (0.00012%); highest among the groups gnomAD compares: Non-Finnish European, 0.000085%; no homozygotes.

Submissions (2):

Ambry Genetics
Classification: Uncertain significance for Inborn genetic diseases. Last evaluated: 2025-11-24. Review status: criteria provided, single submitter. Criteria: Ambry Variant Classification Scheme 2023. Collection method: clinical testing. Allele origin: germline.

Labcorp Genetics (formerly Invitae), Labcorp
Classification: Uncertain significance. Last evaluated: 2024-01-04. Review status: criteria provided, single submitter. Criteria: Invitae Variant Classification Sherloc (09022015). Collection method: clinical testing. Allele origin: germline.
Comment: This sequence change replaces glutamic acid, which is acidic and polar, with lysine, which is basic and polar, at codon 1939 of the MYH3 protein (p.Glu1939Lys). This variant is present in population databases (rs555639778, gnomAD 0.0009%). This variant has not been reported in the literature in individuals affected with MYH3-related conditions. Advanced modeling of protein sequence and biophysical properties (such as structural, functional, and spatial information, amino acid conservation, physicochemical variation, residue mobility, and thermodynamic stability) performed at Invitae indicates that this missense variant is not expected to disrupt MYH3 protein function with a negative predictive value of 95%. Algorithms developed to predict the effect of sequence changes on RNA splicing suggest that this variant may disrupt the consensus splice site. In summary, the available evidence is currently insufficient to determine the role of this variant in disease. Therefore, it has been classified as a Variant of Uncertain Significance.

NM_002470.4(MYH3):c.5815G>A (p.Glu1939Lys)

Gene: MYH3 (myosin heavy chain 3; minus strand). Cytogenetic location: 17p13.1.
Variant type: single nucleotide variant.
Coding change: c.5815G>A on transcript NM_002470.4 (MANE Select); coding-DNA position 5815, G replaced by A.
Protein change: p.Glu1939Lys; replaces glutamic acid 1939 with lysine.
Molecular consequence: missense variant.
Genome position (GRCh38, 1-based): chr17:10,628,661, C>T on the plus strand (G>A on the coding strand, the complement: MYH3 is on the minus strand). VCF-style: chr17-10628661-C-T. GRCh37 (hg19) VCF-style: chr17-10531978-C-T.
Other names: c.5815G>A (NM_002470.3); short protein forms E1939K.
Identifiers: ClinVar variation 2724712 (VCV002724712.4), dbSNP rs555639778, ClinGen allele CA8391769.
Genomic context (GRCh38, chr17:10,628,661, plus strand): 5'-TCAAGAAAATATACATTTTGCATATCTTCTGTCCTGCTCCAGAAGGGCTGGCTCACTCTT[C>T]ACTCTCGTGGACCACCATCTAGGAAGAAAGTAGGCACCTGGAGTCAAGTCGGGTGGCAGA-3'
Protein context (NP_002461.2, residues 1929-1940): TSSRMVVHES[Glu1939Lys]E